The following is an entry in ClinVar:

NM_001917.5(DAO):c.187C>G (p.Gln63Glu)

Gene: DAO (D-amino acid oxidase; plus strand). Cytogenetic location: 12q24.11.
Variant type: single nucleotide variant.
Coding change: c.187C>G on transcript NM_001917.5 (MANE Select); coding-DNA position 187, C replaced by G.
Protein change: p.Gln63Glu; replaces glutamine 63 with glutamic acid.
Molecular consequence: missense variant.
Genome position (GRCh38, 1-based): chr12:108,885,193, C>G. VCF-style: chr12-108885193-C-G. GRCh37 (hg19) VCF-style: chr12-109278969-C-G.
Other names: c.187C>G, p.Gln63Glu (NM_001413634.1, NM_001413635.1); short protein forms Q63E.
Identifiers: ClinVar variation 3054809 (VCV003054809.10), dbSNP rs201040426, ClinGen allele CA6770981.

ClinVar aggregate classification (germline): Likely benign. Review status: criteria provided, single submitter (1 of 4 stars). 2 submissions from 2 submitters: Likely benign (1). 1 of the submissions does not count toward it. Last evaluated 2025-07-01.

Conditions:
DAO-related disorder. Also called: DAO-related condition.

Allele frequency attached by ClinVar (database versions not stated): ExAC 0.00006; gnomAD 0.00009; TOPMed 0.00009; ESP Exome Variant Server 0.00015; gnomAD exomes 0.00018.
gnomAD v4.1: 286 of 1,612,686 alleles (0.018%); highest among the groups gnomAD compares: Non-Finnish European, 0.022%; no homozygotes.

Submissions (2):

CeGaT Center for Human Genetics Tuebingen
Classification: Likely benign. Last evaluated: 2025-07-01. Review status: criteria provided, single submitter. Criteria: CeGaT Center For Human Genetics Tuebingen Variant Classification Criteria Version 2. Collection method: clinical testing. Allele origin: germline. Affected: yes. Observed: 1 variant allele.
Comment: DAO: BP4

PreventionGenetics, part of Exact Sciences
Classification: Likely benign for DAO-related condition. Last evaluated: 2022-08-16. Review status: no assertion criteria provided. Collection method: clinical testing. Allele origin: germline. Not counted in ClinVar's aggregate classification.
Comment: This variant is classified as likely benign based on ACMG/AMP sequence variant interpretation guidelines (Richards et al. 2015 PMID: 25741868, with internal and published modifications).